The following is an entry in ClinVar:

NM_000632.4(ITGAM):c.2709-8C>G

Gene: ITGAM (integrin subunit alpha M; plus strand). Cytogenetic location: 16p11.2.
Variant type: single nucleotide variant.
Coding change: c.2709-8C>G on transcript NM_000632.4 (MANE Select); 8 bases into the intron before coding-DNA position 2709, C replaced by G.
Molecular consequence: intron variant.
Genome position (GRCh38, 1-based): chr16:31,328,139, C>G. VCF-style: chr16-31328139-C-G. GRCh37 (hg19) VCF-style: chr16-31339460-C-G.
Other names: c.2712-8C>G (NM_001145808.2).
Identifiers: ClinVar variation 3642131 (VCV003642131.2).
Genomic context (GRCh38, chr16:31,328,139, plus strand): 5'-GGAGAGGGAGGAGCAAAGACTAACTGTCAGTTCTCAAGAGCCGGCTGGAGCTCTTTCTTT[C>G]CCTCCAGTGAGAACAACATGCCCAGAACCAACAAAACCGAATTCCAACTGGAGCTGCCGG-3'

ClinVar aggregate classification (germline): Uncertain significance (1 of 4 stars; one submission).

Submission:

Labcorp Genetics (formerly Invitae), Labcorp
Classification: Uncertain significance. Last evaluated: 2024-02-25. Review status: criteria provided, single submitter. Criteria: Invitae Variant Classification Sherloc (09022015). Collection method: clinical testing. Allele origin: germline.
Comment: This sequence change falls in intron 22 of the ITGAM gene. It does not directly change the encoded amino acid sequence of the ITGAM protein. This variant is not present in population databases (gnomAD no frequency). This variant has not been reported in the literature in individuals affected with ITGAM-related conditions. Algorithms developed to predict the effect of sequence changes on RNA splicing suggest that this variant may disrupt the consensus splice site. In summary, the available evidence is currently insufficient to determine the role of this variant in disease. Therefore, it has been classified as a Variant of Uncertain Significance.